The following is an entry in ClinVar:

NM_001080421.3(UNC13A):c.3024C>T (p.Tyr1008=)

Gene: UNC13A (unc-13 homolog A; minus strand). Cytogenetic location: 19p13.11.
Variant type: single nucleotide variant.
Coding change: c.3024C>T on transcript NM_001080421.3 (MANE Select); coding-DNA position 3024, C replaced by T.
Protein change: p.Tyr1008=; no amino-acid change (tyrosine 1008 retained).
Molecular consequence: synonymous variant.
Genome position (GRCh38, 1-based): chr19:17,639,140, G>A on the plus strand (C>T on the coding strand, the complement: UNC13A is on the minus strand). VCF-style: chr19-17639140-G-A. GRCh37 (hg19) VCF-style: chr19-17749949-G-A.
Other names: c.3018C>T, p.Tyr1006= (NM_001387021.1, NM_001387022.1, NM_001387023.1).
Identifiers: ClinVar variation 3046804 (VCV003046804.2), dbSNP rs374503527, ClinGen allele CA9298115.

ClinVar aggregate classification (germline): Likely benign (0 of 4 stars; one submission).

Conditions:
UNC13A-related disorder. Also called: UNC13A-related condition.

Allele frequency attached by ClinVar (database versions not stated): gnomAD 0.00002; TOPMed 0.00004; ExAC 0.00005; gnomAD exomes 0.00007; ESP Exome Variant Server 0.00008.
gnomAD v4.1: 103 of 1,613,656 alleles (0.0064%); highest among the groups gnomAD compares: Middle Eastern, 0.016%; no homozygotes.

Submission:

PreventionGenetics, part of Exact Sciences
Classification: Likely benign for UNC13A-related condition. Last evaluated: 2019-03-27. Review status: no assertion criteria provided. Collection method: clinical testing. Allele origin: germline.
Comment: This variant is classified as likely benign based on ACMG/AMP sequence variant interpretation guidelines (Richards et al. 2015 PMID: 25741868, with internal and published modifications).